The following is an entry in ClinVar:

NM_000435.3(NOTCH3):c.2566+24G>T

Gene: NOTCH3 (notch receptor 3; minus strand). Cytogenetic location: 19p13.12.
Variant type: single nucleotide variant.
Coding change: c.2566+24G>T on transcript NM_000435.3 (MANE Select); 24 bases into the intron after coding-DNA position 2566, G replaced by T.
Molecular consequence: intron variant.
Genome position (GRCh38, 1-based): chr19:15,184,271, C>A on the plus strand (G>T on the coding strand, the complement: NOTCH3 is on the minus strand). VCF-style: chr19-15184271-C-A. GRCh37 (hg19) VCF-style: chr19-15295082-C-A.
Identifiers: ClinVar variation 993896 (VCV000993896.11), dbSNP rs151276393, ClinGen allele CA9263335.

ClinVar aggregate classification (germline): Benign/Likely benign. Review status: criteria provided, multiple submitters, no conflicts (2 of 4 stars). 3 submissions from 3 submitters: Benign (2); Likely benign (1). Last evaluated 2022-02-18.

Allele frequency attached by ClinVar (database versions not stated): 1000 Genomes Project 30x 0.00453; 1000 Genomes Project 0.00499; TOPMed 0.00636; ESP Exome Variant Server 0.00692; gnomAD 0.00812 and 0.00824; gnomAD exomes 0.00853 and 0.00902; ExAC 0.00920.
gnomAD v4.1: 13,673 of 1,611,948 alleles (0.85%); highest among the groups gnomAD compares: Non-Finnish European, 0.9%; 85 homozygotes.

Submissions (14):

GeneDx
Classification: Likely benign. Last evaluated: 2022-02-18. Review status: criteria provided, single submitter. Criteria: GeneDx Variant Classification Process June 2021. Collection method: clinical testing. Allele origin: germline. Affected: yes.
Comment: See Variant Classification Assertion Criteria.

ARUP Laboratories, Molecular Genetics and Genomics, ARUP Laboratories
Classification: Benign. Last evaluated: 2019-09-19. Review status: criteria provided, single submitter. Criteria: ARUP Molecular Germline Variant Investigation Process. Collection method: clinical testing. Allele origin: germline.

Breakthrough Genomics
Classification: Benign. Review status: criteria provided, single submitter. Criteria: ACMG Guidelines, 2015. Collection method: not provided. Allele origin: germline. Inheritance: Autosomal dominant inheritance. Affected: yes.

Dr. Peter K. Rogan Lab, Western University
No classification provided (evidence only). Condition: Lung cancer. Review status: no classification provided. Collection method: in vitro. Allele origin: not applicable. Functional consequence: skipped exon. Not counted in ClinVar's aggregate classification.

Dr. Peter K. Rogan Lab, Western University
No classification provided (evidence only). Condition: Familial cancer of breast. Review status: no classification provided. Collection method: in vitro. Allele origin: not applicable. Functional consequence: retained intron. Not counted in ClinVar's aggregate classification.

Dr. Peter K. Rogan Lab, Western University
No classification provided (evidence only). Condition: Cervical cancer. Review status: no classification provided. Collection method: in vitro. Allele origin: not applicable. Functional consequence: skipped exon, retained intron. Not counted in ClinVar's aggregate classification.

Dr. Peter K. Rogan Lab, Western University
No classification provided (evidence only). Condition: Cervical cancer. Review status: no classification provided. Collection method: in vitro. Allele origin: not applicable. Functional consequence: retained intron. Not counted in ClinVar's aggregate classification.

Dr. Peter K. Rogan Lab, Western University
No classification provided (evidence only). Condition: Cervical cancer. Review status: no classification provided. Collection method: in vitro. Allele origin: not applicable. Functional consequence: retained intron. Not counted in ClinVar's aggregate classification.

Dr. Peter K. Rogan Lab, Western University
No classification provided (evidence only). Condition: Cervical cancer. Review status: no classification provided. Collection method: in vitro. Allele origin: not applicable. Functional consequence: skipped exon. Not counted in ClinVar's aggregate classification.

Dr. Peter K. Rogan Lab, Western University
No classification provided (evidence only). Condition: Sarcoma. Review status: no classification provided. Collection method: in vitro. Allele origin: not applicable. Functional consequence: skipped exon. Not counted in ClinVar's aggregate classification.

Dr. Peter K. Rogan Lab, Western University
No classification provided (evidence only). Condition: Sarcoma. Review status: no classification provided. Collection method: in vitro. Allele origin: not applicable. Functional consequence: skipped exon, retained intron. Not counted in ClinVar's aggregate classification.

Dr. Peter K. Rogan Lab, Western University
No classification provided (evidence only). Condition: Ovarian serous cystadenocarcinoma. Review status: no classification provided. Collection method: in vitro. Allele origin: not applicable. Functional consequence: retained intron. Not counted in ClinVar's aggregate classification.

Dr. Peter K. Rogan Lab, Western University
No classification provided (evidence only). Condition: Gastric cancer. Review status: no classification provided. Collection method: in vitro. Allele origin: not applicable. Functional consequence: skipped exon, retained intron. Not counted in ClinVar's aggregate classification.

Dr. Peter K. Rogan Lab, Western University
No classification provided (evidence only). Condition: Malignant tumor of esophagus. Review status: no classification provided. Collection method: in vitro. Allele origin: not applicable. Functional consequence: retained intron. Not counted in ClinVar's aggregate classification.